The following is an entry in ClinVar:

NM_001184.4(ATR):c.3079G>A (p.Glu1027Lys)

Gene: ATR (ATR checkpoint kinase; minus strand). Cytogenetic location: 3q23.
Variant type: single nucleotide variant.
Coding change: c.3079G>A on transcript NM_001184.4 (MANE Select); coding-DNA position 3079, G replaced by A.
Protein change: p.Glu1027Lys; replaces glutamic acid 1027 with lysine.
Molecular consequence: missense variant.
Genome position (GRCh38, 1-based): chr3:142,549,571, C>T on the plus strand (G>A on the coding strand, the complement: ATR is on the minus strand). VCF-style: chr3-142549571-C-T. GRCh37 (hg19) VCF-style: chr3-142268413-C-T.
Other names: c.2887G>A, p.Glu963Lys (NM_001354579.2); short protein forms E963K, E1027K.
Identifiers: ClinVar variation 1477849 (VCV001477849.6), dbSNP rs2108454884, ClinGen allele CA354812393.

ClinVar aggregate classification (germline): Uncertain significance (1 of 4 stars; one submission).

Submission:

Labcorp Genetics (formerly Invitae), Labcorp
Classification: Uncertain significance. Last evaluated: 2021-09-26. Review status: criteria provided, single submitter. Criteria: Invitae Variant Classification Sherloc (09022015). Collection method: clinical testing. Allele origin: germline.
Comment: This variant is not present in population databases (ExAC no frequency). In summary, the available evidence is currently insufficient to determine the role of this variant in disease. Therefore, it has been classified as a Variant of Uncertain Significance. Algorithms developed to predict the effect of missense changes on protein structure and function are either unavailable or do not agree on the potential impact of this missense change (SIFT: "Tolerated"; PolyPhen-2: "Possibly Damaging"; Align-GVGD: "Class C0"). This variant has not been reported in the literature in individuals affected with ATR-related conditions. This sequence change replaces glutamic acid with lysine at codon 1027 of the ATR protein (p.Glu1027Lys). The glutamic acid residue is moderately conserved and there is a small physicochemical difference between glutamic acid and lysine.